The following is an entry in ClinVar:

NM_005560.6(LAMA5):c.10051C>G (p.Leu3351Val)

Gene: LAMA5 (laminin subunit alpha 5; minus strand). Cytogenetic location: 20q13.33.
Variant type: single nucleotide variant.
Coding change: c.10051C>G on transcript NM_005560.6 (MANE Select); coding-DNA position 10051, C replaced by G.
Protein change: p.Leu3351Val; replaces leucine 3351 with valine.
Molecular consequence: missense variant.
Genome position (GRCh38, 1-based): chr20:62,311,199, G>C on the plus strand (C>G on the coding strand, the complement: LAMA5 is on the minus strand). VCF-style: chr20-62311199-G-C. GRCh37 (hg19) VCF-style: chr20-60886255-G-C.
Other names: short protein forms L3351V.
Identifiers: ClinVar variation 1508189 (VCV001508189.7), dbSNP rs774914758, ClinGen allele CA9939956.

ClinVar aggregate classification (germline): Uncertain significance (1 of 4 stars; one submission).

Allele frequency attached by ClinVar (database versions not stated): ExAC 0.00002; gnomAD exomes 0.00003; TOPMed 0.00003.
gnomAD v4.1: 8 of 1,609,108 alleles (0.0005%); highest among the groups gnomAD compares: Admixed American, 0.012%; no homozygotes.

Submission:

Labcorp Genetics (formerly Invitae), Labcorp
Classification: Uncertain significance. Last evaluated: 2022-06-20. Review status: criteria provided, single submitter. Criteria: Invitae Variant Classification Sherloc (09022015). Collection method: clinical testing. Allele origin: germline.
Comment: This sequence change replaces leucine, which is neutral and non-polar, with valine, which is neutral and non-polar, at codon 3351 of the LAMA5 protein (p.Leu3351Val). This variant is present in population databases (rs774914758, gnomAD 0.02%). This variant has not been reported in the literature in individuals affected with LAMA5-related conditions. Algorithms developed to predict the effect of missense changes on protein structure and function (SIFT, PolyPhen-2, Align-GVGD) all suggest that this variant is likely to be tolerated. In summary, the available evidence is currently insufficient to determine the role of this variant in disease. Therefore, it has been classified as a Variant of Uncertain Significance.